The following is an entry in ClinVar:

ClinVar aggregate classification (germline): Uncertain significance (1 of 4 stars; one submission).

Conditions:
Cornelia de Lange syndrome 3 (CDLS3). Also called: SMC3-Related Cornelia de Lange Syndrome; CORNELIA DE LANGE SYNDROME 3 WITH OR WITHOUT MIDLINE BRAIN DEFECTS. Identifiers: Orphanet 199, MedGen C1853099, MONDO:0012555, OMIM 610759.

Submission:

Labcorp Genetics (formerly Invitae), Labcorp
Classification: Uncertain significance for Cornelia de Lange syndrome 3. Last evaluated: 2021-03-25. Review status: criteria provided, single submitter. Criteria: Invitae Variant Classification Sherloc (09022015). Collection method: clinical testing. Allele origin: germline.
Comment: In summary, the available evidence is currently insufficient to determine the role of this variant in disease. Therefore, it has been classified as a Variant of Uncertain Significance. Algorithms developed to predict the effect of missense changes on protein structure and function are either unavailable or do not agree on the potential impact of this missense change (SIFT: "Deleterious"; PolyPhen-2: "Possibly Damaging"; Align-GVGD: "Class C0"). This variant has not been reported in the literature in individuals with SMC3-related conditions. This variant is not present in population databases (ExAC no frequency). This sequence change replaces leucine with proline at codon 700 of the SMC3 protein (p.Leu700Pro). The leucine residue is moderately conserved and there is a moderate physicochemical difference between leucine and proline.

NM_005445.4(SMC3):c.2099T>C (p.Leu700Pro)

Gene: SMC3 (structural maintenance of chromosomes 3; plus strand). Cytogenetic location: 10q25.2.
Variant type: single nucleotide variant.
Coding change: c.2099T>C on transcript NM_005445.4 (MANE Select); coding-DNA position 2099, T replaced by C.
Protein change: p.Leu700Pro; replaces leucine 700 with proline.
Molecular consequence: missense variant.
Genome position (GRCh38, 1-based): chr10:110,596,533, T>C. VCF-style: chr10-110596533-T-C. GRCh37 (hg19) VCF-style: chr10-112356291-T-C.
Other names: short protein forms L700P.
Identifiers: ClinVar variation 1519533 (VCV001519533.6), dbSNP rs2134745404, ClinGen allele CA378391924.